The following is an entry in ClinVar:

NM_177438.3(DICER1):c.1648A>G (p.Lys550Glu)

Gene: DICER1 (dicer 1, ribonuclease III; minus strand). Cytogenetic location: 14q32.13.
Variant type: single nucleotide variant.
Coding change: c.1648A>G on transcript NM_177438.3 (MANE Select); coding-DNA position 1648, A replaced by G.
Protein change: p.Lys550Glu; replaces lysine 550 with glutamic acid.
Molecular consequence: missense variant.
Genome position (GRCh38, 1-based): chr14:95,116,557, T>C on the plus strand (A>G on the coding strand, the complement: DICER1 is on the minus strand). VCF-style: chr14-95116557-T-C. GRCh37 (hg19) VCF-style: chr14-95582894-T-C.
Other names: c.1648A>G, p.Lys550Glu (NM_001195573.1, NM_001271282.3, NM_001291628.2 and 1 more transcripts); short protein forms K550E.
Identifiers: ClinVar variation 664948 (VCV000664948.11), dbSNP rs1283543634, ClinGen allele CA390884880.

ClinVar aggregate classification (germline): Uncertain significance. Review status: criteria provided, multiple submitters, no conflicts (2 of 4 stars). 2 submissions from 2 submitters: Uncertain significance (2). Last evaluated 2023-09-11.

Conditions:
DICER1-related tumor predisposition. Also called: DICER1 syndrome; DICER1-related pleuropulmonary blastoma cancer predisposition syndrome. Identifiers: Orphanet 284343, MedGen C3839822, MONDO:0100216.
Hereditary cancer-predisposing syndrome. Also called: Neoplastic Syndromes, Hereditary; Hereditary neoplastic syndrome; Tumor predisposition; Hereditary Cancer Syndrome. Identifiers: Orphanet 140162, MedGen C0027672, MeSH D009386, MONDO:0015356.

Submissions (2):

Ambry Genetics
Classification: Uncertain significance for Hereditary cancer-predisposing syndrome. Last evaluated: 2023-09-11. Review status: criteria provided, single submitter. Criteria: Ambry Variant Classification Scheme 2023. Collection method: clinical testing. Allele origin: germline.
Comment: The p.K550E variant (also known as c.1648A>G), located in coding exon 9 of the DICER1 gene, results from an A to G substitution at nucleotide position 1648. The lysine at codon 550 is replaced by glutamic acid, an amino acid with similar properties. This amino acid position is conserved. In addition, this alteration is predicted to be deleterious by in silico analysis. Since supporting evidence is limited at this time, the clinical significance of this alteration remains unclear.

Labcorp Genetics (formerly Invitae), Labcorp
Classification: Uncertain significance for DICER1-related tumor predisposition. Last evaluated: 2018-10-01. Review status: criteria provided, single submitter. Criteria: Invitae Variant Classification Sherloc (09022015). Collection method: clinical testing. Allele origin: germline.
Comment: Algorithms developed to predict the effect of missense changes on protein structure and function (SIFT, PolyPhen-2, Align-GVGD) all suggest that this variant is likely to be disruptive, but these predictions have not been confirmed by published functional studies and their clinical significance is uncertain. This sequence change replaces lysine with glutamic acid at codon 550 of the DICER1 protein (p.Lys550Glu). The lysine residue is highly conserved and there is a small physicochemical difference between lysine and glutamic acid. This variant is not present in population databases (ExAC no frequency). This variant has not been reported in the literature in individuals with DICER1-related disease. In summary, the available evidence is currently insufficient to determine the role of this variant in disease. Therefore, it has been classified as a Variant of Uncertain Significance.